The following is an entry in ClinVar:

ClinVar aggregate classification (germline): Benign. Review status: criteria provided, multiple submitters, no conflicts (2 of 4 stars). 3 submissions from 3 submitters: Benign (3). Last evaluated 2026-01-30.

Allele frequency attached by ClinVar (database versions not stated): 1000 Genomes Project 0.00819; 1000 Genomes Project 30x 0.00874; gnomAD 0.00972; ESP Exome Variant Server 0.01025; TOPMed 0.01042.
gnomAD v4.1: 2,765 of 1,613,836 alleles (0.17%); highest among the groups gnomAD compares: African/African-American, 3.3%; 30 homozygotes.

Submissions (3):

Labcorp Genetics (formerly Invitae), Labcorp
Classification: Benign. Last evaluated: 2026-01-30. Review status: criteria provided, single submitter. Criteria: Invitae Variant Classification Sherloc (09022015). Collection method: clinical testing. Allele origin: germline.

Mayo Clinic Laboratories, Mayo Clinic
Classification: Benign. Last evaluated: 2023-04-14. Review status: criteria provided, single submitter. Criteria: ACMG Guidelines, 2015. Collection method: clinical testing. Allele origin: germline. Observed: 4 variant alleles.
Comment: BS1, BS2, BP4, BP7

Breakthrough Genomics
Classification: Benign. Review status: criteria provided, single submitter. Criteria: ACMG Guidelines, 2015. Collection method: not provided. Allele origin: germline. Inheritance: Autosomal recessive inheritance. Affected: yes.

NM_001378457.1(DMXL2):c.1491G>C (p.Thr497=)

Gene: DMXL2 (Dmx like 2; minus strand). Cytogenetic location: 15q21.2.
Variant type: single nucleotide variant.
Coding change: c.1491G>C on transcript NM_001378457.1 (MANE Select); coding-DNA position 1491, G replaced by C.
Protein change: p.Thr497=; no amino-acid change (threonine 497 retained).
Molecular consequence: synonymous variant. On other transcripts: non-coding transcript variant (2).
Genome position (GRCh38, 1-based): chr15:51,537,614, C>G on the plus strand (G>C on the coding strand, the complement: DMXL2 is on the minus strand). VCF-style: chr15-51537614-C-G. GRCh37 (hg19) VCF-style: chr15-51829811-C-G.
Other names: p.Thr497=; c.1491G>C (NM_001174116.2); c.1491G>C, p.Thr497= (NM_001174116.3, NM_001174117.3, NM_001378458.1 and 6 more transcripts); c.1251G>C, p.Thr417= (NM_001378464.1).
Identifiers: ClinVar variation 711154 (VCV000711154.12), dbSNP rs114265876, ClinGen allele CA7562574.
Genomic context (GRCh38, chr15:51,537,614, plus strand): 5'-ACCATCTACAGGGTGTATTGTAAAAAGCATATCAGGATTCTTATTCCATTCAGTTAGCAG[C>G]GTTTCAATCTTCCGATCAAGCAGAACCGTAGGCAGTGGCATTGGTACACTAAGTCGTGAG-3'
Protein context (NP_001365386.1, residues 487-507): PTVLLDRKIE[Thr497=]LLTEWNKNPD